The following is an entry in ClinVar:

NM_000111.3(SLC26A3):c.76A>T (p.Lys26Ter)

Gene: SLC26A3 (solute carrier family 26 member 3; minus strand). Cytogenetic location: 7q22.3.
Variant type: single nucleotide variant.
Coding change: c.76A>T on transcript NM_000111.3 (MANE Select); coding-DNA position 76, A replaced by T.
Protein change: p.Lys26Ter; replaces lysine 26 with a stop codon.
Molecular consequence: nonsense.
Genome position (GRCh38, 1-based): chr7:107,794,434, T>A on the plus strand (A>T on the coding strand, the complement: SLC26A3 is on the minus strand). VCF-style: chr7-107794434-T-A. GRCh37 (hg19) VCF-style: chr7-107434879-T-A.
Other names: short protein forms K26*.
Identifiers: ClinVar variation 2705280 (VCV002705280.3), dbSNP rs1409334094, ClinGen allele CA368854482.

ClinVar aggregate classification (germline): Pathogenic (1 of 4 stars; one submission).

Submission:

Labcorp Genetics (formerly Invitae), Labcorp
Classification: Pathogenic. Last evaluated: 2024-01-04. Review status: criteria provided, single submitter. Criteria: Invitae Variant Classification Sherloc (09022015). Collection method: clinical testing. Allele origin: germline.
Comment: This sequence change creates a premature translational stop signal (p.Lys26*) in the SLC26A3 gene. It is expected to result in an absent or disrupted protein product. Loss-of-function variants in SLC26A3 are known to be pathogenic (PMID: 9718329, 21394828). This variant is not present in population databases (gnomAD no frequency). This variant has not been reported in the literature in individuals affected with SLC26A3-related conditions. Algorithms developed to predict the effect of sequence changes on RNA splicing suggest that this variant may disrupt the consensus splice site. For these reasons, this variant has been classified as Pathogenic.

Literature cited by the submitters: PubMed 9718329; PubMed 21394828.